The following is an entry in ClinVar:

ClinVar aggregate classification (germline): Uncertain significance (1 of 4 stars; one submission).

Conditions:
Holoprosencephaly 9 (HPE9). Also called: HOLOPROSENCEPHALY WITH MICROPHTHALMIA AND FIRST BRANCHIAL ARCH ANOMALIES; PITUITARY ANOMALIES WITH HOLOPROSENCEPHALY-LIKE FEATURES. Identifiers: Orphanet 2162, MedGen C1835819, MONDO:0012563, OMIM 610829.
Postaxial polydactyly-anterior pituitary anomalies-facial dysmorphism syndrome. Also called: Culler-Jones syndrome. Identifiers: Orphanet 420584, MedGen C4014479, MONDO:0014369, OMIM 615849.

Allele frequency attached by ClinVar (database versions not stated): gnomAD exomes below 0.00001.
gnomAD v4.1: 2 of 1,449,624 alleles (0.00014%); highest among the groups gnomAD compares: Non-Finnish European, 0.00018%; no homozygotes.

Submission:

Labcorp Genetics (formerly Invitae), Labcorp
Classification: Uncertain significance for Postaxial polydactyly-anterior pituitary anomalies-facial dysmorphism syndrome; Holoprosencephaly 9. Last evaluated: 2019-05-04. Review status: criteria provided, single submitter. Criteria: Invitae Variant Classification Sherloc (09022015). Collection method: clinical testing. Allele origin: germline.
Comment: In summary, the available evidence is currently insufficient to determine the role of this variant in disease. Therefore, it has been classified as a Variant of Uncertain Significance. Algorithms developed to predict the effect of missense changes on protein structure and function are either unavailable or do not agree on the potential impact of this missense change (SIFT: "Tolerated"; PolyPhen-2: "Probably Damaging"; Align-GVGD: "Class C0"). This variant has not been reported in the literature in individuals with GLI2-related conditions. The frequency data for this variant in the population databases is considered unreliable, as metrics indicate insufficient coverage at this position in the ExAC database. This sequence change replaces aspartic acid with asparagine at codon 971 of the GLI2 protein (p.Asp971Asn). The aspartic acid residue is moderately conserved and there is a small physicochemical difference between aspartic acid and asparagine.

NM_001374353.1(GLI2):c.2860G>A (p.Asp954Asn)

Gene: GLI2 (GLI family zinc finger 2; plus strand). Cytogenetic location: 2q14.2.
Variant type: single nucleotide variant.
Coding change: c.2860G>A on transcript NM_001374353.1 (MANE Select); coding-DNA position 2860, G replaced by A.
Protein change: p.Asp954Asn; replaces aspartic acid 954 with asparagine.
Molecular consequence: missense variant.
Genome position (GRCh38, 1-based): chr2:120,988,825, G>A. VCF-style: chr2-120988825-G-A. GRCh37 (hg19) VCF-style: chr2-121746401-G-A.
Other names: c.2911G>A, p.Asp971Asn (NM_001371271.1, NM_005270.5); c.2485G>A, p.Asp829Asn (NM_001374354.1); short protein forms D829N, D954N, D971N.
Identifiers: ClinVar variation 860281 (VCV000860281.9), dbSNP rs1683119644, ClinGen allele CA348170161.